The following is an entry in ClinVar:

NM_198239.2(CCN6):c.866dup (p.Ser290fs)

Gene: CCN6 (cellular communication network factor 6; plus strand). Cytogenetic location: 6q21.
Variant type: Duplication.
Coding change: c.866dup on transcript NM_198239.2 (MANE Select); coding-DNA position 866, one base duplicated (A; older notation c.866dupA).
Protein change: p.Ser290fs; shifts the reading frame from serine 290.
Molecular consequence: frameshift variant. On other transcripts: non-coding transcript variant (2).
Genome position (GRCh38, 1-based): chr6:112,069,421, A duplicated. VCF-style (leftmost placement, unchanged base first): chr6-112069420-C-CA. GRCh37 (hg19) VCF-style: chr6-112390623-C-CA.
Other names: c.866dup, p.Ser290fs (NM_003880.4); short protein forms S290fs.
Identifiers: ClinVar variation 2734934 (VCV002734934.3), dbSNP rs782450077, ClinGen allele CA3964120.

ClinVar aggregate classification (germline): Pathogenic (1 of 4 stars; one submission).

Allele frequency attached by ClinVar (database versions not stated): TOPMed below 0.00001; ExAC 0.00001; gnomAD 0.00001.

Submission:

Labcorp Genetics (formerly Invitae), Labcorp
Classification: Pathogenic. Last evaluated: 2022-11-03. Review status: criteria provided, single submitter. Criteria: Invitae Variant Classification Sherloc (09022015). Collection method: clinical testing. Allele origin: germline.
Comment: For these reasons, this variant has been classified as Pathogenic. This premature translational stop signal has been observed in individual(s) with autosomal recessive progressive pseudorheumatoid dysplasia (PMID: 21993478, 22685593). In at least one individual the data is consistent with being in trans (on the opposite chromosome) from a pathogenic variant. It has also been observed to segregate with disease in related individuals. This variant is present in population databases (rs782450077, gnomAD 0.006%). This sequence change creates a premature translational stop signal (p.Ser290Glufs*13) in the WISP3 gene. While this is not anticipated to result in nonsense mediated decay, it is expected to disrupt the last 65 amino acid(s) of the WISP3 protein.

Literature cited by the submitters: PubMed 21993478; PubMed 22685593.